The following is an entry in ClinVar:

ClinVar aggregate classification (germline): Pathogenic (1 of 4 stars; one submission).

Conditions:
Familial cancer of breast. Also called: hereditary breast carcinoma; Hereditary breast cancer; BREAST CANCER, FAMILIAL. Identifiers: Orphanet 227535, MedGen C0346153, MONDO:0016419, OMIM 114480. Disease mechanism: loss of function.

Submission:

Labcorp Genetics (formerly Invitae), Labcorp
Classification: Pathogenic for Familial cancer of breast. Last evaluated: 2020-02-27. Review status: criteria provided, single submitter. Criteria: Invitae Variant Classification Sherloc (09022015). Collection method: clinical testing. Allele origin: germline.
Comment: This sequence change creates a premature translational stop signal (p.Thr387Alafs*27) in the CHEK2 gene. It is expected to result in an absent or disrupted protein product. The frequency data for this variant in the population databases is not available, as this variant may be reported as separate entries in the ExAC database. This variant has not been reported in the literature in individuals with CHEK2-related conditions. Loss-of-function variants in CHEK2 are known to be pathogenic (PMID: 21876083, 24713400). For these reasons, this variant has been classified as Pathogenic.

Literature cited by the submitters: PubMed 21876083; PubMed 24713400.

NM_007194.4(CHEK2):c.1159_1160delinsG (p.Thr387fs)

Gene: CHEK2 (checkpoint kinase 2; minus strand). Cytogenetic location: 22q12.1.
Variant type: Indel.
Coding change: c.1159_1160delinsG on transcript NM_007194.4 (MANE Select); coding-DNA positions 1159 to 1160, AC replaced by G.
Protein change: p.Thr387fs; shifts the reading frame from threonine 387.
Molecular consequence: frameshift variant.
Genome position (GRCh38, 1-based): chr22:28,695,809-28,695,810, GT replaced by C on the plus strand (AC replaced by G on the coding strand, the reverse complement: CHEK2 is on the minus strand). VCF-style: chr22-28695809-GT-C. GRCh37 (hg19) VCF-style: chr22-29091797-GT-C.
Other names: c.1288_1289delACinsG, p.Thr430Alafs (NM_001005735.3); c.496_497delACinsG, p.Thr166Alafs (NM_001257387.3); c.958_959delACinsG, p.Thr320Alafs (NM_001349956.3); c.1072_1073delACinsG, p.Thr358Alafs (NM_145862.3); short protein forms T166fs, T320fs, T358fs, T387fs, T430fs.
Identifiers: ClinVar variation 3010188 (VCV003010188.3), dbSNP rs2517807773, ClinGen allele CA2740094810.
Genomic context (GRCh38, chr22:28,695,809, plus strand): 5'-GCACGGTTATACCCAGCAGTCCCAACAGAAACAAGAACTTCAGGCGCCAAGTAGGTGGGG[GT>C]TCCACATAAGGTTCTCATGAGAGAGGTCTCTCCCAAAATCTTGGAGTGCCCAAAATCAGT-3'